The following is an entry in ClinVar:

NM_001369268.1(ACAN):c.1022C>G (p.Ser341Ter)

Gene: ACAN (aggrecan; plus strand). Cytogenetic location: 15q26.1.
Variant type: single nucleotide variant.
Coding change: c.1022C>G on transcript NM_001369268.1 (MANE Select); coding-DNA position 1022, C replaced by G.
Protein change: p.Ser341Ter; replaces serine 341 with a stop codon.
Molecular consequence: nonsense.
Genome position (GRCh38, 1-based): chr15:88,843,619, C>G. VCF-style: chr15-88843619-C-G. GRCh37 (hg19) VCF-style: chr15-89386850-C-G.
Other names: c.1022C>G, p.Ser341Ter (NM_001135.4, NM_013227.4); short protein forms S341*.
Identifiers: ClinVar variation 1444952 (VCV001444952.6), dbSNP rs1405125406, ClinGen allele CA393708092.

ClinVar aggregate classification (germline): Pathogenic (1 of 4 stars; one submission).

Submission:

Labcorp Genetics (formerly Invitae), Labcorp
Classification: Pathogenic. Last evaluated: 2022-12-06. Review status: criteria provided, single submitter. Criteria: Invitae Variant Classification Sherloc (09022015). Collection method: clinical testing. Allele origin: germline.
Comment: This variant is not present in population databases (gnomAD no frequency). This sequence change creates a premature translational stop signal (p.Ser341*) in the ACAN gene. It is expected to result in an absent or disrupted protein product. Loss-of-function variants in ACAN are known to be pathogenic (PMID: 16080123, 24762113). This variant has not been reported in the literature in individuals affected with ACAN-related conditions. For these reasons, this variant has been classified as Pathogenic. ClinVar contains an entry for this variant (Variation ID: 1444952).

Literature cited by the submitters: PubMed 16080123; PubMed 24762113.